The following is an entry in ClinVar:

ClinVar aggregate classification (germline): Uncertain significance. Review status: criteria provided, single submitter (1 of 4 stars). 2 submissions from 2 submitters: Uncertain significance (1). 1 of the submissions does not count toward it. Last evaluated 2025-06-17.

Conditions:
Epidermolysis bullosa dystrophica inversa, autosomal recessive. Identifiers: MedGen C2673612.

Allele frequency attached by ClinVar (database versions not stated): gnomAD 0.00002 and 0.00003; TOPMed 0.00002; gnomAD exomes 0.00003 and 0.00005; ExAC 0.00007.
gnomAD v4.1: 45 of 1,613,610 alleles (0.0028%); highest among the groups gnomAD compares: Admixed American, 0.018%; no homozygotes.

Submissions (2):

Labcorp Genetics (formerly Invitae), Labcorp
Classification: Uncertain significance. Last evaluated: 2025-06-17. Review status: criteria provided, single submitter. Criteria: Invitae Variant Classification Sherloc (09022015). Collection method: clinical testing. Allele origin: germline.
Comment: This sequence change replaces arginine, which is basic and polar, with tryptophan, which is neutral and slightly polar, at codon 1666 of the COL7A1 protein (p.Arg1666Trp). This variant is present in population databases (rs764442838, gnomAD 0.02%). This variant has not been reported in the literature in individuals affected with COL7A1-related conditions. ClinVar contains an entry for this variant (Variation ID: 991829). Invitae Evidence Modeling of protein sequence and biophysical properties (such as structural, functional, and spatial information, amino acid conservation, physicochemical variation, residue mobility, and thermodynamic stability) has been performed for this missense variant. However, the output from this modeling did not meet the statistical confidence thresholds required to predict the impact of this variant on COL7A1 protein function. Algorithms developed to predict the effect of sequence changes on RNA splicing suggest that this variant may disrupt the consensus splice site. In summary, the available evidence is currently insufficient to determine the role of this variant in disease. Therefore, it has been classified as a Variant of Uncertain Significance.

Natera, Inc.
Classification: Uncertain significance for Autosomal recessive epidermolysis bullosa dystrophica inversa. Last evaluated: 2020-11-06. Review status: no assertion criteria provided. Collection method: clinical testing. Allele origin: germline. Not counted in ClinVar's aggregate classification.

NM_000094.4(COL7A1):c.4996C>T (p.Arg1666Trp)

Gene: COL7A1 (collagen type VII alpha 1 chain; minus strand). Cytogenetic location: 3p21.31.
Variant type: single nucleotide variant.
Coding change: c.4996C>T on transcript NM_000094.4 (MANE Select); coding-DNA position 4996, C replaced by T.
Protein change: p.Arg1666Trp; replaces arginine 1666 with tryptophan.
Molecular consequence: missense variant.
Genome position (GRCh38, 1-based): chr3:48,580,637, G>A on the plus strand (C>T on the coding strand, the complement: COL7A1 is on the minus strand). VCF-style: chr3-48580637-G-A. GRCh37 (hg19) VCF-style: chr3-48618070-G-A.
Other names: short protein forms R1666W.
Identifiers: ClinVar variation 991829 (VCV000991829.5), dbSNP rs764442838, ClinGen allele CA2379717.
Genomic context (GRCh38, chr3:48,580,637, plus strand): 5'-TCACATTTCGTCCATCCTCTCCAGGATCTCCCTGGTCTCCCTTTTCACCCACAGGCCCCC[G>A]AACTCCAGGTGCCCCCTAAGAAGAGCAGCTGGCCTGAGACAGACCCTCCCAATATTTTGC-3'
Protein context (NP_000085.1, residues 1656-1676): ERGLRGAPGV[Arg1666Trp]GPVGEKGDQG